The following is an entry in ClinVar:

ClinVar aggregate classification (germline): Benign/Likely benign. Review status: criteria provided, multiple submitters, no conflicts (2 of 4 stars). 4 submissions from 4 submitters: Benign (1); Likely benign (2). 1 of the submissions does not count toward it. Last evaluated 2026-01-19.

Conditions:
MYH14-related disorder. Also called: MYH14-related condition.

Allele frequency attached by ClinVar (database versions not stated): gnomAD 0.00039 and 0.00035; 1000 Genomes Project 0.00040; TOPMed 0.00042; gnomAD exomes 0.00010; ESP Exome Variant Server 0.00018; ExAC 0.00021; 1000 Genomes Project 30x 0.00031.
gnomAD v4.1: 102 of 1,546,562 alleles (0.0066%); highest among the groups gnomAD compares: African/African-American, 0.12%; no homozygotes.

Submissions (4):

Labcorp Genetics (formerly Invitae), Labcorp
Classification: Benign. Last evaluated: 2026-01-19. Review status: criteria provided, single submitter. Criteria: Invitae Variant Classification Sherloc (09022015). Collection method: clinical testing. Allele origin: germline.

Blueprint Genetics
Classification: Likely benign. Last evaluated: 2024-01-23. Review status: criteria provided, single submitter. Criteria: ACMG Guidelines, 2015. Collection method: clinical testing. Allele origin: germline.

Laboratory for Molecular Medicine, Mass General Brigham Personalized Medicine
Classification: Likely benign. Last evaluated: 2016-06-04. Review status: criteria provided, single submitter. Criteria: LMM Criteria. Collection method: clinical testing. Allele origin: germline. Observed: 1 variant allele.
Comment: p.Leu1926Leu in exon 41 of MYH14: This variant is not expected to have clinical significance because it does not alter an amino acid residue, is not located wit hin the splice consensus sequence, and has been identified in 4/2018 African chr omosomes by the Exome Aggregation Consortium (ExAC, rg; dbSNP rs201839634).

PreventionGenetics, part of Exact Sciences
Classification: Likely benign for MYH14-related condition. Last evaluated: 2019-05-28. Review status: no assertion criteria provided. Collection method: clinical testing. Allele origin: germline. Not counted in ClinVar's aggregate classification.
Comment: This variant is classified as likely benign based on ACMG/AMP sequence variant interpretation guidelines (Richards et al. 2015 PMID: 25741868, with internal and published modifications).

NM_001145809.2(MYH14):c.5778C>T (p.Leu1926=)

Gene: MYH14 (myosin heavy chain 14; plus strand). Cytogenetic location: 19q13.33.
Variant type: single nucleotide variant.
Coding change: c.5778C>T on transcript NM_001145809.2 (MANE Select); coding-DNA position 5778, C replaced by T.
Protein change: p.Leu1926=; no amino-acid change (leucine 1926 retained).
Molecular consequence: synonymous variant.
Genome position (GRCh38, 1-based): chr19:50,307,148, C>T. VCF-style: chr19-50307148-C-T. GRCh37 (hg19) VCF-style: chr19-50810405-C-T.
Other names: c.5679C>T, p.Leu1893= (NM_001077186.2); c.5655C>T, p.Leu1885= (NM_024729.4).
Identifiers: ClinVar variation 504621 (VCV000504621.16), dbSNP rs201839634, ClinGen allele CA9593887.